The following is an entry in ClinVar:

ClinVar aggregate classification (germline): Uncertain significance (1 of 4 stars; one submission).

gnomAD v4.1: 57 of 1,594,778 alleles (0.0036%); highest among the groups gnomAD compares: South Asian, 0.062%; 4 homozygotes.

Submission:

Ambry Genetics
Classification: Uncertain significance. Last evaluated: 2026-08-02. Review status: criteria provided, single submitter. Criteria: Ambry Variant Classification Scheme 2023. Collection method: clinical testing. Allele origin: germline.
Comment: The p.Y182H variant (also known as c.544T>C), located in coding exon 4 of the GEN1 gene, results from a T to C substitution at nucleotide position 544. The tyrosine at codon 182 is replaced by histidine, an amino acid with similar properties. This amino acid position is conserved. In addition, this alteration is predicted to be deleterious by in silico analysis. Based on the available evidence, the clinical significance of this variant remains unclear.

NM_001130009.3(GEN1):c.544T>C (p.Tyr182His)

Gene: GEN1 (GEN1 structure-specific endonuclease; plus strand). Cytogenetic location: 2p24.2.
Variant type: single nucleotide variant.
Coding change: c.544T>C on transcript NM_001130009.3 (MANE Select); coding-DNA position 544, T replaced by C.
Protein change: p.Tyr182His; replaces tyrosine 182 with histidine.
Molecular consequence: missense variant.
Genome position (GRCh38, 1-based): chr2:17,766,597, T>C. VCF-style: chr2-17766597-T-C. GRCh37 (hg19) VCF-style: chr2-17947864-T-C.
Other names: c.544T>C, p.Tyr182His (NM_182625.5); short protein forms Y182H.
Identifiers: ClinVar variation 5022317 (VCV005022317.1).